The following is an entry in ClinVar:

NM_000182.5(HADHA):c.1574dup (p.Val526fs)

Genes: GAREM2 (GRB2 associated regulator of MAPK1 subtype 2; plus strand), HADHA (hydroxyacyl-CoA dehydrogenase trifunctional multienzyme complex subunit alpha; minus strand). Cytogenetic location: 2p23.3.
Variant type: Duplication.
Coding change: c.1574dup on transcript NM_000182.5 (MANE Select); coding-DNA position 1574, one base duplicated (C; older notation c.1574dupC).
Protein change: p.Val526fs; shifts the reading frame from valine 526.
Molecular consequence: frameshift variant.
Genome position (GRCh38, 1-based): chr2:26,195,138, G duplicated on the plus strand (C on the coding strand, the reverse complement: HADHA is on the minus strand). VCF-style (leftmost placement, unchanged base first): chr2-26195137-A-AG. GRCh37 (hg19) VCF-style: chr2-26418006-A-AG.
Other names: short protein forms V526fs.
Identifiers: ClinVar variation 5012717 (VCV005012717.1).

ClinVar aggregate classification (germline): Pathogenic (1 of 4 stars; one submission).

Conditions:
Long chain 3-hydroxyacyl-CoA dehydrogenase deficiency. Also called: Deficiency of long-chain 3-hydroxyacyl-coenzyme A dehydrogenase; LCHAD Deficiency. Identifiers: Orphanet 5, MedGen C3711645, MONDO:0012173, OMIM 609016.

Submission:

Myriad Genetics, Inc.
Classification: Pathogenic for Long chain 3-hydroxyacyl-CoA dehydrogenase deficiency. Last evaluated: 2024-02-08. Review status: criteria provided, single submitter. Criteria: Myriad Autosomal Dominant, Autosomal Recessive and X-Linked Classification Criteria (2023). Collection method: clinical testing. Allele origin: unknown.
Comment: NM_000182.4(HADHA):c.1574dupC(V526Cfs*15) is expected to be pathogenic in the context of HADHA-related disorders. This variant is predicted to lead to an abnormal or absent protein product due to the creation of a premature termination codon in HADHA, a gene where loss-of-function variants are known to be pathogenic. Please note: this variant was assessed in the context of healthy population screening.